The following is an entry in ClinVar:

NM_032444.4(SLX4):c.5457G>C (p.Gln1819His)

Gene: SLX4 (SLX4 structure-specific endonuclease subunit; minus strand). Cytogenetic location: 16p13.3.
Variant type: single nucleotide variant.
Coding change: c.5457G>C on transcript NM_032444.4 (MANE Select); coding-DNA position 5457, G replaced by C.
Protein change: p.Gln1819His; replaces glutamine 1819 with histidine.
Molecular consequence: missense variant.
Genome position (GRCh38, 1-based): chr16:3,582,390, C>G on the plus strand (G>C on the coding strand, the complement: SLX4 is on the minus strand). VCF-style: chr16-3582390-C-G. GRCh37 (hg19) VCF-style: chr16-3632391-C-G.
Other names: short protein forms Q1819H.
Identifiers: ClinVar variation 4748678 (VCV004748678.1).

ClinVar aggregate classification (germline): Uncertain significance (1 of 4 stars; one submission).

Conditions:
Fanconi anemia (FA). Also called: Fanconi's anemia. Identifiers: Orphanet 84, MedGen C0015625, MeSH D005199, MONDO:0019391.

gnomAD v4.1: 2 of 1,613,878 alleles (0.00012%); highest among the groups gnomAD compares: Non-Finnish European, 0.00017%; no homozygotes.

Submission:

Labcorp Genetics (formerly Invitae), Labcorp
Classification: Uncertain significance for Fanconi anemia. Last evaluated: 2025-10-09. Review status: criteria provided, single submitter. Criteria: Invitae Variant Classification Sherloc (09022015). Collection method: clinical testing. Allele origin: germline.
Comment: This sequence change replaces glutamine, which is neutral and polar, with histidine, which is basic and polar, at codon 1819 of the SLX4 protein (p.Gln1819His). This variant is not present in population databases (gnomAD no frequency). This variant has not been reported in the literature in individuals affected with SLX4-related conditions. An algorithm developed to predict the effect of missense changes on protein structure and function outputs the following: PolyPhen-2: "Benign". The histidine amino acid residue is found in multiple mammalian species, which suggests that this missense change does not adversely affect protein function. In summary, the available evidence is currently insufficient to determine the role of this variant in disease. Therefore, it has been classified as a Variant of Uncertain Significance.